The following is an entry in ClinVar:

NM_002485.5(NBN):c.719C>A (p.Ser240Tyr)

Gene: NBN (nibrin; minus strand). Cytogenetic location: 8q21.3.
Variant type: single nucleotide variant.
Coding change: c.719C>A on transcript NM_002485.5 (MANE Select); coding-DNA position 719, C replaced by A.
Protein change: p.Ser240Tyr; replaces serine 240 with tyrosine.
Molecular consequence: missense variant.
Genome position (GRCh38, 1-based): chr8:89,970,541, G>T on the plus strand (C>A on the coding strand, the complement: NBN is on the minus strand). VCF-style: chr8-89970541-G-T. GRCh37 (hg19) VCF-style: chr8-90982769-G-T.
Other names: c.473C>A, p.Ser158Tyr (NM_001024688.3); short protein forms S240Y, S158Y.
Identifiers: ClinVar variation 481854 (VCV000481854.5), dbSNP rs1554564033, ClinGen allele CA371658864.

ClinVar aggregate classification (germline): Uncertain significance (1 of 4 stars; one submission).

Conditions:
Hereditary cancer-predisposing syndrome. Also called: Neoplastic Syndromes, Hereditary; Tumor predisposition; Hereditary Cancer Syndrome; Hereditary neoplastic syndrome. Identifiers: Orphanet 140162, MedGen C0027672, MeSH D009386, MONDO:0015356.

Submission:

Ambry Genetics
Classification: Uncertain significance for Hereditary cancer-predisposing syndrome. Last evaluated: 2016-08-10. Review status: criteria provided, single submitter. Criteria: Ambry Variant Classification Scheme 2023. Collection method: clinical testing. Allele origin: germline.
Comment: The p.S240Y variant (also known as c.719C>A), located in coding exon 7 of the NBN gene, results from a C to A substitution at nucleotide position 719. The serine at codon 240 is replaced by tyrosine, an amino acid with dissimilar properties. This variant was not reported in population based cohorts in the following databases: Database of Single Nucleotide Polymorphisms (dbSNP), NHLBI Exome Sequencing Project (ESP), and 1000 Genomes Project. In the ESP, this variant was not observed in 6503 samples (13006 alleles) with coverage at this position. To date, this alteration has been detected with an allele frequency of approximately 0.001% (greater than 175000 alleles tested) in our clinical cohort. This amino acid position is not well conserved in available vertebrate species. In addition, this alteration is predicted to be tolerated by in silico analysis. Since supporting evidence is limited at this time, the clinical significance of this alteration remains unclear.